The following is an entry in ClinVar:

ClinVar aggregate classification (germline): Benign (1 of 4 stars; one submission).

Allele frequency attached by ClinVar (database versions not stated): 1000 Genomes Project 30x 0.34354; 1000 Genomes Project 0.34625; TOPMed 0.39993; gnomAD 0.40785 and 0.40870.
gnomAD v4.1: 62,401 of 151,974 alleles (41%); highest among the groups gnomAD compares: Middle Eastern, 56%; 15,224 homozygotes.

Submission:

GeneDx
Classification: Benign. Last evaluated: 2018-06-14. Review status: criteria provided, single submitter. Criteria: GeneDx Variant Classification (06012015). Collection method: clinical testing. Allele origin: germline. Affected: yes.
Comment: This variant is considered likely benign or benign based on one or more of the following criteria: it is a conservative change, it occurs at a poorly conserved position in the protein, it is predicted to be benign by multiple in silico algorithms, and/or has population frequency not consistent with disease.

NM_000126.4(ETFA):c.186+155G>A

Gene: ETFA (electron transfer flavoprotein subunit alpha; minus strand). Cytogenetic location: 15q24.2.
Variant type: single nucleotide variant.
Coding change: c.186+155G>A on transcript NM_000126.4 (MANE Select); 155 bases into the intron after coding-DNA position 186, G replaced by A.
Molecular consequence: intron variant.
Genome position (GRCh38, 1-based): chr15:76,295,436, C>T on the plus strand (G>A on the coding strand, the complement: ETFA is on the minus strand). VCF-style: chr15-76295436-C-T. GRCh37 (hg19) VCF-style: chr15-76587777-C-T.
Other names: c.40-2736G>A (NM_001127716.2).
Identifiers: ClinVar variation 680103 (VCV000680103.1), dbSNP rs3759853, ClinGen allele CA15850172.